The following is an entry in ClinVar:

ClinVar aggregate classification (germline): Pathogenic (1 of 4 stars; one submission).

Conditions:
Pulmonary fibrosis and/or bone marrow failure, Telomere-related, 3. Also called: PULMONARY FIBROSIS AND/OR BONE MARROW FAILURE SYNDROME, TELOMERE-RELATED, 3. Identifiers: Orphanet 2032, MedGen C4225346, MONDO:0014613, OMIM 616373.
Dyskeratosis congenita, autosomal recessive 5 (DKCB5). Identifiers: MedGen C3554656, MONDO:0014076, OMIM 615190.

gnomAD v4.1: 1 of 1,612,612 alleles (0.000062%); highest among the groups gnomAD compares: Non-Finnish European, 0.000085%; no homozygotes.

Submission:

Labcorp Genetics (formerly Invitae), Labcorp
Classification: Pathogenic for Dyskeratosis congenita, autosomal recessive 5; Pulmonary fibrosis and/or bone marrow failure, Telomere-related, 3. Last evaluated: 2022-07-08. Review status: criteria provided, single submitter. Criteria: Invitae Variant Classification Sherloc (09022015). Collection method: clinical testing. Allele origin: germline.
Comment: This sequence change creates a premature translational stop signal (p.Ser368*) in the RTEL1 gene. It is expected to result in an absent or disrupted protein product. Loss-of-function variants in RTEL1 are known to be pathogenic (PMID: 23453664, 23959892, 25607374). This variant is not present in population databases (gnomAD no frequency). For these reasons, this variant has been classified as Pathogenic. This variant has not been reported in the literature in individuals affected with RTEL1-related conditions.

Literature cited by the submitters: PubMed 23453664; PubMed 23959892; PubMed 25607374.

NM_001283009.2(RTEL1):c.1103C>A (p.Ser368Ter)

Genes: RTEL1 (regulator of telomere elongation helicase 1; plus strand), RTEL1-TNFRSF6B (RTEL1-TNFRSF6B readthrough (NMD candidate); plus strand). Cytogenetic location: 20q13.33.
Variant type: single nucleotide variant.
Coding change: c.1103C>A on transcript NM_001283009.2 (MANE Select); coding-DNA position 1103, C replaced by A.
Protein change: p.Ser368Ter; replaces serine 368 with a stop codon.
Molecular consequence: nonsense. On other transcripts: non-coding transcript variant (1).
Genome position (GRCh38, 1-based): chr20:63,679,914, C>A. VCF-style: chr20-63679914-C-A. GRCh37 (hg19) VCF-style: chr20-62311267-C-A.
Other names: c.434C>A, p.Ser145Ter (NM_001283010.1); c.1103C>A, p.Ser368Ter (NM_016434.4); c.1175C>A, p.Ser392Ter (NM_032957.5); short protein forms S368*, S145*, S392*.
Identifiers: ClinVar variation 2012075 (VCV002012075.4), dbSNP rs765792997, ClinGen allele CA409673965.
Genomic context (GRCh38, chr20:63,679,914, plus strand): 5'-TCTTTGAGCTGTTTGCTGAAGCCCAGATCACGTTTCAGACCAAGGGCTGCATCCTGGACT[C>A]GCTGGACCAGATCATCCAGCACCTGGCAGGACGTGAGTGCTGGCACGGGGTCTTTGGTGC-3'